The following is an entry in ClinVar:

NM_000548.5(TSC2):c.2809_2816delinsGTC (p.Ser937fs)

Gene: TSC2 (TSC complex subunit 2; plus strand). Cytogenetic location: 16p13.3.
Variant type: Indel.
Coding change: c.2809_2816delinsGTC on transcript NM_000548.5 (MANE Select); coding-DNA positions 2809 to 2816, AGTACTAG replaced by GTC.
Protein change: p.Ser937fs; shifts the reading frame from serine 937.
Molecular consequence: frameshift variant. On other transcripts: non-coding transcript variant (5).
Genome position (GRCh38, 1-based): chr16:2,076,557-2,076,564, AGTACTAG replaced by GTC. VCF-style: chr16-2076557-AGTACTAG-GTC. GRCh37 (hg19) VCF-style: chr16-2126558-AGTACTAG-GTC.
Other names: c.2809_2816delinsGTC, p.Ser937fs (NM_001077183.3, NM_001114382.3, NM_001363528.2 and 6 more transcripts); c.2698_2705delinsGTC, p.Ser900fs (NM_001318827.2, NM_001406670.1, NM_001406678.1); c.2662_2669delinsGTC, p.Ser888fs (NM_001318829.2, NM_001406675.1, NM_001406676.1 and 1 more transcripts); c.2209_2216delinsGTC, p.Ser737fs (NM_001318831.2, NM_001406680.1, NM_001406682.1 and 6 more transcripts); c.2842_2849delinsGTC, p.Ser948fs (NM_001318832.2); c.2899_2906delinsGTC, p.Ser967fs (NM_001406667.1, NM_001406668.1); c.2797_2804delinsGTC, p.Ser933fs (NM_001406671.1, NM_001406673.1); c.2752_2759delinsGTC, p.Ser918fs (NM_001406677.1); and 3 more; short protein forms S403fs, S489fs, S737fs, S783fs, S888fs, S900fs, S918fs, S933fs.
Identifiers: ClinVar variation 3061171 (VCV003061171.2), dbSNP rs2543932131, ClinGen allele CA2740096836.
Genomic context (GRCh38, chr16:2,076,557, plus strand): 5'-CGGTCCAATGTCCTCTTGTCTTTTGATGACACCCCCGAGAAGGACAGCTTCAGGGCCCGG[AGTACTAG>GTC]TCTCAACGAGAGACCCAAGAGGTACGGCCTGCGGGGGTGTGCCTGGAGTCGGTGTGGGGT-3'

ClinVar aggregate classification (germline): Likely pathogenic (0 of 4 stars; one submission).

Conditions:
TSC2-related disorder. Also called: TSC2-related condition; TSC2-Related Disorders.

Submission:

PreventionGenetics, part of Exact Sciences
Classification: Likely pathogenic for TSC2-related condition. Last evaluated: 2024-02-16. Review status: no assertion criteria provided. Collection method: clinical testing. Allele origin: germline.
Comment: The TSC2 c.2809_2816delinsGTC variant is predicted to result in a frameshift and premature protein termination (p.Ser937Valfs*21). To our knowledge, this variant has not been reported in the literature or in a large population database, indicating this variant is rare. Frameshift variants in TSC2 are expected to be pathogenic. This variant is interpreted as likely pathogenic.